The following is an entry in ClinVar:

ClinVar aggregate classification (germline): Uncertain significance. Review status: criteria provided, multiple submitters, no conflicts (2 of 4 stars). 2 submissions from 2 submitters: Uncertain significance (2). Last evaluated 2024-01-06.

Conditions:
Cardiovascular phenotype. Identifiers: MedGen CN230736.
RASopathy. Also called: rasopathies; Noonan spectrum disorder. Identifiers: Orphanet 536391, MedGen C5555857, MONDO:0021060.

Allele frequency attached by ClinVar (database versions not stated): gnomAD exomes below 0.00001; TOPMed below 0.00001; gnomAD 0.00001.
gnomAD v4.1: 6 of 1,551,036 alleles (0.00039%); highest among the groups gnomAD compares: Non-Finnish European, 0.00052%; no homozygotes.

Submissions (2):

Ambry Genetics
Classification: Uncertain significance for Cardiovascular phenotype. Last evaluated: 2024-01-06. Review status: criteria provided, single submitter. Criteria: Ambry Variant Classification Scheme 2023. Collection method: clinical testing. Allele origin: germline.
Comment: The p.D341A variant (also known as c.1022A>C), located in coding exon 9 of the MAP2K2 gene, results from an A to C substitution at nucleotide position 1022. The aspartic acid at codon 341 is replaced by alanine, an amino acid with dissimilar properties. This amino acid position is conserved. In addition, this alteration is predicted to be tolerated by in silico analysis. Since supporting evidence is limited at this time, the clinical significance of this alteration remains unclear.

Labcorp Genetics (formerly Invitae), Labcorp
Classification: Uncertain significance for RASopathy. Last evaluated: 2022-03-21. Review status: criteria provided, single submitter. Criteria: Invitae Variant Classification Sherloc (09022015). Collection method: clinical testing. Allele origin: germline.
Comment: This variant has not been reported in the literature in individuals affected with MAP2K2-related conditions. Advanced modeling of protein sequence and biophysical properties (such as structural, functional, and spatial information, amino acid conservation, physicochemical variation, residue mobility, and thermodynamic stability) performed at Invitae indicates that this missense variant is not expected to disrupt MAP2K2 protein function. In summary, the available evidence is currently insufficient to determine the role of this variant in disease. Therefore, it has been classified as a Variant of Uncertain Significance. This variant is not present in population databases (gnomAD no frequency). This sequence change replaces aspartic acid, which is acidic and polar, with alanine, which is neutral and non-polar, at codon 341 of the MAP2K2 protein (p.Asp341Ala).

NM_030662.4(MAP2K2):c.1022A>C (p.Asp341Ala)

Gene: MAP2K2 (mitogen-activated protein kinase kinase 2; minus strand). Cytogenetic location: 19p13.3.
Variant type: single nucleotide variant.
Coding change: c.1022A>C on transcript NM_030662.4 (MANE Select); coding-DNA position 1022, A replaced by C.
Protein change: p.Asp341Ala; replaces aspartic acid 341 with alanine.
Molecular consequence: missense variant.
Genome position (GRCh38, 1-based): chr19:4,095,412, T>G on the plus strand (A>C on the coding strand, the complement: MAP2K2 is on the minus strand). VCF-style: chr19-4095412-T-G. GRCh37 (hg19) VCF-style: chr19-4095410-T-G.
Other names: c.1022A>C (NM_030662.3); short protein forms D341A.
Identifiers: ClinVar variation 1416918 (VCV001416918.7), dbSNP rs2040903643, ClinGen allele CA403383321.